The following is an entry in ClinVar:

NM_000051.4(ATM):c.3746+4A>G

Gene: ATM (ATM serine/threonine kinase; plus strand). Cytogenetic location: 11q22.3.
Variant type: single nucleotide variant.
Coding change: c.3746+4A>G on transcript NM_000051.4 (MANE Select); 4 bases into the intron after coding-DNA position 3746, A replaced by G.
Molecular consequence: intron variant.
Genome position (GRCh38, 1-based): chr11:108,282,883, A>G. VCF-style: chr11-108282883-A-G. GRCh37 (hg19) VCF-style: chr11-108153610-A-G.
Other names: c.3746+4A>G (NM_001351834.2).
Identifiers: ClinVar variation 682396 (VCV000682396.16), dbSNP rs1555092593, ClinGen allele CA913187771.

ClinVar aggregate classification (germline): Conflicting classifications of pathogenicity. Review status: criteria provided, conflicting classifications (1 of 4 stars). 4 submissions from 4 submitters: Uncertain significance (2); Likely benign (2). Last evaluated 2026-07-30.

Conditions:
Ataxia-telangiectasia syndrome (AT). Also called: Ataxia-telangiectasia, complementation group D; AT, COMPLEMENTATION GROUP C; ATAXIA-TELANGIECTASIA, COMPLEMENTATION GROUP A; ATAXIA-TELANGIECTASIA, FRESNO VARIANT; Ataxia-telangiectasia; LOUIS-BAR SYNDROME. Identifiers: Orphanet 100, MedGen C0004135, MONDO:0008840, OMIM 208900.
Hereditary cancer-predisposing syndrome. Also called: Tumor predisposition; Hereditary Cancer Syndrome; Neoplastic Syndromes, Hereditary; Hereditary neoplastic syndrome. Identifiers: Orphanet 140162, MedGen C0027672, MeSH D009386, MONDO:0015356.

Submissions (4):

Ambry Genetics
Classification: Likely benign for Hereditary cancer-predisposing syndrome. Last evaluated: 2026-07-30. Review status: criteria provided, single submitter. Criteria: Ambry Variant Classification Scheme 2023. Collection method: clinical testing. Allele origin: germline.

Labcorp Genetics (formerly Invitae), Labcorp
Classification: Uncertain significance for Ataxia-telangiectasia syndrome. Last evaluated: 2025-09-16. Review status: criteria provided, single submitter. Criteria: Invitae Variant Classification Sherloc (09022015). Collection method: clinical testing. Allele origin: germline.
Comment: This sequence change falls in intron 25 of the ATM gene. It does not directly change the encoded amino acid sequence of the ATM protein. It affects a nucleotide within the consensus splice site. This variant is not present in population databases (gnomAD no frequency). This variant has not been reported in the literature in individuals affected with ATM-related conditions. ClinVar contains an entry for this variant (Variation ID: 682396). Variants that disrupt the consensus splice site are a relatively common cause of aberrant splicing (PMID: 17576681, 9536098). Studies have shown that this variant is associated with inconclusive levels of altered splicing (internal data). In summary, the available evidence is currently insufficient to determine the role of this variant in disease. Therefore, it has been classified as a Variant of Uncertain Significance.

Color Diagnostics, LLC DBA Color Health
Classification: Uncertain significance for Hereditary cancer-predisposing syndrome. Last evaluated: 2019-10-30. Review status: criteria provided, single submitter. Criteria: ACMG Guidelines, 2015. Collection method: clinical testing. Allele origin: germline.
Comment: This variant causes an A>G nucleotide substitution at the +4 position of intron 25 of the ATM gene. Splice site prediction tools (3/4) suggest that this variant may not impact RNA splicing. To our knowledge, functional studies have not been performed for this variant. This variant has not been reported in individuals affected with hereditary cancer in the literature. This variant has not been identified in the general population by the Genome Aggregation Database (gnomAD). The available evidence is insufficient to determine the role of this variant in disease conclusively. Therefore, this variant is classified as a Variant of Uncertain Significance.

GeneDx
Classification: Likely benign. Last evaluated: 2018-04-23. Review status: criteria provided, single submitter. Criteria: GeneDx Variant Classification (06012015). Collection method: clinical testing. Allele origin: germline. Affected: yes.
Comment: This variant is considered likely benign or benign based on one or more of the following criteria: it is a conservative change, it occurs at a poorly conserved position in the protein, it is predicted to be benign by multiple in silico algorithms, and/or has population frequency not consistent with disease.

Literature cited by the submitters: PubMed 17576681 (cited by Labcorp Genetics (formerly Invitae), Labcorp); PubMed 9536098 (cited by Labcorp Genetics (formerly Invitae), Labcorp).